The following is an entry in ClinVar:

NM_013319.3(UBIAD1):c.460C>T (p.Pro154Ser)

Gene: UBIAD1 (UbiA prenyltransferase domain containing 1; plus strand). Cytogenetic location: 1p36.22.
Variant type: single nucleotide variant.
Coding change: c.460C>T on transcript NM_013319.3 (MANE Select); coding-DNA position 460, C replaced by T.
Protein change: p.Pro154Ser; replaces proline 154 with serine.
Molecular consequence: missense variant.
Genome position (GRCh38, 1-based): chr1:11,273,991, C>T. VCF-style: chr1-11273991-C-T. GRCh37 (hg19) VCF-style: chr1-11334048-C-T.
Other names: c.460C>T, p.Pro154Ser (NM_001330350.2, NM_001330349.2); short protein forms P154S.
Identifiers: ClinVar variation 1049943 (VCV001049943.1), dbSNP rs758882194, ClinGen allele CA338691562.
Genomic context (GRCh38, chr1:11,273,991, plus strand): 5'-TTCGGAGTCTTCCTCTACACGTTGGGCTGCGTCTGTGCCGCTTGCCTCTACTACCTGTCC[C>T]CTCTGAAACTGGAGCACTTGGCTCTTATCTACTTTGGAGGCCTGTCTGGCTCCTTTCTCT-3'
Protein context (NP_037451.1, residues 144-164): VCAACLYYLS[Pro154Ser]LKLEHLALIY

ClinVar aggregate classification (germline): Uncertain significance (0 of 4 stars; one submission).

Allele frequency attached by ClinVar (database versions not stated): gnomAD 0.00001; TOPMed 0.00003.

Submission:

Department of Pathology and Laboratory Medicine, Sinai Health System
Classification: Uncertain significance. Review status: no assertion criteria provided. Collection method: clinical testing. Allele origin: unknown. Affected: yes. Study: The Canadian Open Genetics Repository (COGR).
Comment: The UBIAD1 p.Pro154Ser variant was not identified in the literature nor was it identified in ClinVar. The variant was identified in dbSNP (ID: rs758882194) but was not identified in the following control databases: the 1000 Genomes Project, the NHLBI GO Exome Sequencing Project, or the Genome Aggregation Database (March 6, 2019, v2.1.1). The p.Pro154 residue is not conserved in mammals and computational analyses (PolyPhen-2, SIFT, AlignGVGD, BLOSUM, MutationTaster) do not suggest a high likelihood of impact to the protein; however, this information is not predictive enough to rule out pathogenicity. The variant occurs outside of the splicing consensus sequence and in silico or computational prediction software programs (SpliceSiteFinder, MaxEntScan, NNSPLICE, GeneSplicer) do not predict a difference in splicing. In summary, based on the above information the clinical significance of this variant cannot be determined with certainty at this time. This variant is classified as a variant of uncertain significance.